The following is an entry in ClinVar:

ClinVar aggregate classification (germline): Benign/Likely benign. Review status: criteria provided, multiple submitters, no conflicts (2 of 4 stars). 6 submissions from 6 submitters: Benign (1); Likely benign (5). Last evaluated 2025-12-29.

Conditions:
Cardiac arrhythmia. Also called: Cardiac rhythm disease; Arrhythmia. Identifiers: MedGen C0003811, MONDO:0007263, HP:0011675.
Cardiovascular phenotype. Identifiers: MedGen CN230736.
Long QT syndrome (LQTS). Identifiers: MedGen C0023976, MeSH D008133, MONDO:0002442. Disease mechanism: loss of function. Inheritance: Various modes of inheritance.

Allele frequency attached by ClinVar (database versions not stated): TOPMed 0.00002; ESP Exome Variant Server 0.00008.
gnomAD v4.1: 43 of 1,613,978 alleles (0.0027%); highest among the groups gnomAD compares: Middle Eastern, 0.033%; no homozygotes.

Submissions (6):

Labcorp Genetics (formerly Invitae), Labcorp
Classification: Likely benign for Long QT syndrome. Last evaluated: 2025-12-29. Review status: criteria provided, single submitter. Criteria: Invitae Variant Classification Sherloc (09022015). Collection method: clinical testing. Allele origin: germline.

All of Us Research Program, National Institutes of Health
Classification: Likely benign for Long QT syndrome. Last evaluated: 2023-12-13. Review status: criteria provided, single submitter. Criteria: ACMG Guidelines, 2015. Collection method: clinical testing. Allele origin: germline. Inheritance: Autosomal dominant inheritance. Observed: 8 variant alleles, 8 heterozygotes.
Comment: This study involves interpretation of variants in research participants for the purpose of population health screening. Participant phenotype was not available at the time of variant classification. Additional details can be found in publication PMID: 35346344, PMCID: PMC8962531

Blueprint Genetics
Classification: Likely benign. Last evaluated: 2023-08-04. Review status: criteria provided, single submitter. Criteria: ACMG Guidelines, 2015. Collection method: clinical testing. Allele origin: germline.

Color Diagnostics, LLC DBA Color Health
Classification: Likely benign for Arrhythmia. Last evaluated: 2019-10-29. Review status: criteria provided, single submitter. Criteria: ACMG Guidelines, 2015. Collection method: clinical testing. Allele origin: germline.

Ambry Genetics
Classification: Likely benign for Cardiovascular phenotype. Last evaluated: 2016-05-23. Review status: criteria provided, single submitter. Criteria: Ambry Variant Classification Scheme 2023. Collection method: clinical testing. Allele origin: germline.

GeneDx
Classification: Benign. Last evaluated: 2015-03-03. Review status: criteria provided, single submitter. Criteria: GeneDx Variant Classification Process June 2021. Collection method: clinical testing. Allele origin: germline. Affected: yes.

NM_000238.4(KCNH2):c.1680C>T (p.Ile560=)

Gene: KCNH2 (potassium voltage-gated channel subfamily H member 2; minus strand). Cytogenetic location: 7q36.1.
Variant type: single nucleotide variant.
Coding change: c.1680C>T on transcript NM_000238.4 (MANE Select); coding-DNA position 1680, C replaced by T.
Protein change: p.Ile560=; no amino-acid change (isoleucine 560 retained).
Molecular consequence: synonymous variant. On other transcripts: non-coding transcript variant (2).
Genome position (GRCh38, 1-based): chr7:150,951,713, G>A on the plus strand (C>T on the coding strand, the complement: KCNH2 is on the minus strand). VCF-style: chr7-150951713-G-A. GRCh37 (hg19) VCF-style: chr7-150648801-G-A.
Other names: c.660C>T, p.Ile220= (NM_001204798.2, NM_172057.3); c.1392C>T, p.Ile464= (NM_001406753.1, NM_001406756.1); c.1503C>T, p.Ile501= (NM_001406755.1); c.1380C>T, p.Ile460= (NM_001406757.1); c.1680C>T, p.Ile560= (NM_172056.3); c.1680C>T (NM_000238.2).
Identifiers: ClinVar variation 456891 (VCV000456891.25), dbSNP rs372725107, ClinGen allele CA029220.